The following is an entry in ClinVar:

NM_006506.5(RASA2):c.1859G>A (p.Arg620Gln)

Gene: RASA2 (RAS p21 protein activator 2; plus strand). Cytogenetic location: 3q23.
Variant type: single nucleotide variant.
Coding change: c.1859G>A on transcript NM_006506.5 (MANE Select); coding-DNA position 1859, G replaced by A.
Protein change: p.Arg620Gln; replaces arginine 620 with glutamine.
Molecular consequence: missense variant.
Genome position (GRCh38, 1-based): chr3:141,586,678, G>A. VCF-style: chr3-141586678-G-A. GRCh37 (hg19) VCF-style: chr3-141305520-G-A.
Other names: c.1859G>A (NM_006506.2); c.1859G>A, p.Arg620Gln (NM_001303245.3, NM_001303246.3); short protein forms R620Q.
Identifiers: ClinVar variation 2201527 (VCV002201527.8), dbSNP rs146108941, ClinGen allele CA2645645.

ClinVar aggregate classification (germline): Uncertain significance. Review status: criteria provided, multiple submitters, no conflicts (2 of 4 stars). 3 submissions from 3 submitters: Uncertain significance (3). Last evaluated 2025-10-27.

Allele frequency attached by ClinVar (database versions not stated): TOPMed 0.00001; gnomAD exomes 0.00002; ExAC 0.00003; ESP Exome Variant Server 0.00008.
gnomAD v4.1: 31 of 1,613,206 alleles (0.0019%); highest among the groups gnomAD compares: East Asian, 0.0045%; no homozygotes.

Submissions (3):

Ambry Genetics
Classification: Uncertain significance. Last evaluated: 2025-10-27. Review status: criteria provided, single submitter. Criteria: Ambry Variant Classification Scheme 2023. Collection method: clinical testing. Allele origin: germline.
Comment: The p.R620Q variant (also known as c.1859G>A), located in coding exon 19 of the RASA2 gene, results from a G to A substitution at nucleotide position 1859. The arginine at codon 620 is replaced by glutamine, an amino acid with highly similar properties. This amino acid position is conserved. In addition, this alteration is predicted to be tolerated by in silico analysis. Since supporting evidence is limited at this time, the clinical significance of this alteration remains unclear.

Women's Health and Genetics/Laboratory Corporation of America, LabCorp
Classification: Uncertain significance. Last evaluated: 2025-05-28. Review status: criteria provided, single submitter. Criteria: LabCorp Variant Classification Summary - May 2015. Collection method: clinical testing. Allele origin: germline.

Labcorp Genetics (formerly Invitae), Labcorp
Classification: Uncertain significance. Last evaluated: 2022-07-27. Review status: criteria provided, single submitter. Criteria: Invitae Variant Classification Sherloc (09022015). Collection method: clinical testing. Allele origin: germline.
Comment: In summary, the available evidence is currently insufficient to determine the role of this variant in disease. Therefore, it has been classified as a Variant of Uncertain Significance. Algorithms developed to predict the effect of missense changes on protein structure and function (SIFT, PolyPhen-2, Align-GVGD) all suggest that this variant is likely to be tolerated. This variant has not been reported in the literature in individuals affected with RASA2-related conditions. This variant is present in population databases (rs146108941, gnomAD 0.007%). This sequence change replaces arginine, which is basic and polar, with glutamine, which is neutral and polar, at codon 620 of the RASA2 protein (p.Arg620Gln).